The following is an entry in ClinVar:

NM_001276345.2(TNNT2):c.493G>T (p.Glu165Ter)

Gene: TNNT2 (troponin T2, cardiac type; minus strand). Cytogenetic location: 1q32.1.
Variant type: single nucleotide variant.
Coding change: c.493G>T on transcript NM_001276345.2 (MANE Select); coding-DNA position 493, G replaced by T.
Protein change: p.Glu165Ter; replaces glutamic acid 165 with a stop codon.
Molecular consequence: nonsense.
Genome position (GRCh38, 1-based): chr1:201,363,403, C>A on the plus strand (G>T on the coding strand, the complement: TNNT2 is on the minus strand). VCF-style: chr1-201363403-C-A. GRCh37 (hg19) VCF-style: chr1-201332531-C-A.
Other names: c.373G>T, p.Glu125Ter (NM_001276346.2); c.463G>T, p.Glu155Ter (NM_001276347.2, NM_001001430.3, NM_001001431.3); c.493G>T, p.Glu165Ter (NM_000364.4); c.448G>T, p.Glu150Ter (NM_001001432.3); short protein forms E165*, E155*, E125*, E150*.
Identifiers: ClinVar variation 572139 (VCV000572139.10), dbSNP rs1558225837, ClinGen allele CA344204683.
Genomic context (GRCh38, chr1:201,363,403, plus strand): 5'-TCTTCCGGGCCTCATCCTCAGCCTTCCTCCTGTTCTCCTCCTCCTCTCGTCGAGCCCTCT[C>A]TTCCTGATTTACAGCAGGGAGGAAGAAAGCAAATTAGGGGAAAGGATTGGAAACCCTGAT-3'

ClinVar aggregate classification (germline): Conflicting classifications of pathogenicity. Review status: criteria provided, conflicting classifications (1 of 4 stars). 7 submissions from 5 submitters: Likely pathogenic (1); Uncertain significance (6). Last evaluated 2026-09-10.

Conditions:
Dilated cardiomyopathy 1D. Identifiers: Orphanet 154, Orphanet 54260, MedGen C1832243, MONDO:0011095, OMIM 601494.
Cardiomyopathy, familial restrictive, 3. Identifiers: Orphanet 75249, MedGen C2676271, MONDO:0012900, OMIM 612422.
Hypertrophic cardiomyopathy 2. Also called: TNNT2-Related Familial Hypertrophic Cardiomyopathy. Identifiers: MedGen C1861864, MONDO:0007266, OMIM 115195.
Cardiovascular phenotype. Identifiers: MedGen CN230736.

Submissions (7):

Ambry Genetics
Classification: Uncertain significance for Cardiovascular phenotype. Last evaluated: 2026-09-10. Review status: criteria provided, single submitter. Criteria: Ambry Variant Classification Scheme 2023. Collection method: clinical testing. Allele origin: germline.
Comment: The p.E155* variant (also known as c.463G>T), located in coding exon 10 of the TNNT2 gene, results from a G to T substitution at nucleotide position 463. This changes the amino acid from a glutamic acid to a stop codon within coding exon 10. This variant is expected to result in protein truncation or nonsense-mediated mRNA decay. However, loss of function has not been established as a mechanism of disease. Based on the available evidence, the clinical significance of this variant remains unclear.

Labcorp Genetics (formerly Invitae), Labcorp
Classification: Uncertain significance for Cardiomyopathy, familial restrictive, 3; Hypertrophic cardiomyopathy 2; Dilated cardiomyopathy 1D. Last evaluated: 2025-06-24. Review status: criteria provided, single submitter. Criteria: Invitae Variant Classification Sherloc (09022015). Collection method: clinical testing. Allele origin: germline.
Comment: This sequence change creates a premature translational stop signal (p.Glu155*) in the TNNT2 gene. It is expected to result in an absent or disrupted protein product. However, the current clinical and genetic evidence is not sufficient to establish whether loss-of-function variants in TNNT2 cause disease. This variant is not present in population databases (gnomAD no frequency). This variant has not been reported in the literature in individuals affected with TNNT2-related conditions. ClinVar contains an entry for this variant (Variation ID: 572139). In summary, the available evidence is currently insufficient to determine the role of this variant in disease. Therefore, it has been classified as a Variant of Uncertain Significance.

Genome-Nilou Lab
Classification: Uncertain significance for Dilated cardiomyopathy 1D. Last evaluated: 2023-04-11. Review status: criteria provided, single submitter. Criteria: ACMG Guidelines, 2015. Collection method: clinical testing. Allele origin: germline. Affected: no.

Genome-Nilou Lab
Classification: Uncertain significance for Cardiomyopathy, familial restrictive, 3. Last evaluated: 2023-04-11. Review status: criteria provided, single submitter. Criteria: ACMG Guidelines, 2015. Collection method: clinical testing. Allele origin: germline. Affected: no.

Genome-Nilou Lab
Classification: Uncertain significance for Hypertrophic cardiomyopathy 2. Last evaluated: 2023-04-11. Review status: criteria provided, single submitter. Criteria: ACMG Guidelines, 2015. Collection method: clinical testing. Allele origin: germline. Affected: no.

Molecular Diagnostic Laboratory for Inherited Cardiovascular Disease, Montreal Heart Institute
Classification: Likely pathogenic for Cardiovascular phenotype. Last evaluated: 2022-07-27. Review status: criteria provided, single submitter. Criteria: ACMG Guidelines, 2015. Collection method: clinical testing. Allele origin: germline. Affected: yes.

Baylor Genetics
Classification: Uncertain significance for Dilated cardiomyopathy 1D. Last evaluated: 2018-05-27. Review status: criteria provided, single submitter. Criteria: ACMG Guidelines, 2015. Collection method: clinical testing. Allele origin: paternal. Affected: yes.
Comment: This variant was determined to be of uncertain significance according to ACMG Guidelines, 2015 [PMID:25741868].